The following is an entry in ClinVar:

NM_006946.4(SPTBN2):c.1351-7G>T

Gene: SPTBN2 (spectrin beta, non-erythrocytic 2; minus strand). Cytogenetic location: 11q13.2.
Variant type: single nucleotide variant.
Coding change: c.1351-7G>T on transcript NM_006946.4 (MANE Select); 7 bases into the intron before coding-DNA position 1351, G replaced by T.
Molecular consequence: intron variant.
Genome position (GRCh38, 1-based): chr11:66,707,825, C>A on the plus strand (G>T on the coding strand, the complement: SPTBN2 is on the minus strand). VCF-style: chr11-66707825-C-A. GRCh37 (hg19) VCF-style: chr11-66475296-C-A.
Identifiers: ClinVar variation 305587 (VCV000305587.18), dbSNP rs116078747, ClinGen allele CA6129391.

ClinVar aggregate classification (germline): Benign/Likely benign. Review status: criteria provided, multiple submitters, no conflicts (2 of 4 stars). 5 submissions from 4 submitters: Benign (4); Likely benign (1). Last evaluated 2026-01-15.

Conditions:
Autosomal recessive spinocerebellar ataxia 14. Also called: CEREBELLAR ATAXIA, AUTOSOMAL RECESSIVE, SPECTRIN-ASSOCIATED, 1. Identifiers: Orphanet 352403, MedGen C4706415, MONDO:0014159, OMIM 615386.
Spinocerebellar ataxia type 5 (SCA5). Identifiers: Orphanet 98766, MedGen C0752123, MONDO:0010848, OMIM 600224.

Allele frequency attached by ClinVar (database versions not stated): TOPMed 0.01079; ESP Exome Variant Server 0.01193; 1000 Genomes Project 0.01478; 1000 Genomes Project 30x 0.01562.
gnomAD v4.1: 3,242 of 1,607,658 alleles (0.2%); highest among the groups gnomAD compares: African/African-American, 3.7%; 72 homozygotes.

Submissions (5):

Labcorp Genetics (formerly Invitae), Labcorp
Classification: Benign. Last evaluated: 2026-01-15. Review status: criteria provided, single submitter. Criteria: Invitae Variant Classification Sherloc (09022015). Collection method: clinical testing. Allele origin: germline.

Athena Diagnostics
Classification: Benign. Last evaluated: 2025-07-22. Review status: criteria provided, single submitter. Criteria: Athena Diagnostics Criteria. Collection method: clinical testing. Allele origin: unknown.
Comment: The frequency of this variant in the general population is higher than would generally be expected for pathogenic variants in this gene. Computational tools yielded predictions that this variant is unlikely to have an effect on normal RNA splicing. This nucleotide position exhibits low evolutionary conservation. This variant has been seen where an alternate explanation for disease was also identified.

GeneDx
Classification: Likely benign. Last evaluated: 2022-05-06. Review status: criteria provided, single submitter. Criteria: GeneDx Variant Classification Process June 2021. Collection method: clinical testing. Allele origin: germline. Affected: yes.
Comment: See Variant Classification Assertion Criteria.

Illumina Laboratory Services, Illumina
Classification: Benign for Spinocerebellar ataxia type 5. Last evaluated: 2018-01-12. Review status: criteria provided, single submitter. Criteria: ICSL Variant Classification Criteria 13 December 2019. Collection method: clinical testing. Allele origin: germline.
Comment: This variant was observed in the ICSL laboratory as part of a predisposition screen in an ostensibly healthy population. It had not been previously curated by ICSL or reported in the Human Gene Mutation Database (HGMD: prior to June 1st, 2018), and was therefore a candidate for classification through an automated scoring system. Utilizing variant allele frequency, disease prevalence and penetrance estimates, and inheritance mode, an automated score was calculated to assess if this variant is too frequent to cause the disease. Based on the score and internal cut-off values, a variant classified as benign is not then subjected to further curation. The score for this variant resulted in a classification of benign for this disease.

Illumina Laboratory Services, Illumina
Classification: Benign for Autosomal recessive spinocerebellar ataxia 14. Last evaluated: 2018-01-12. Review status: criteria provided, single submitter. Criteria: ICSL Variant Classification Criteria 13 December 2019. Collection method: clinical testing. Allele origin: germline.
Comment: the same text as in the submission from Illumina Laboratory Services, Illumina above.